The following is an entry in ClinVar:

NM_001231.5(CASQ1):c.1176TGA[1] (p.Asp394_Asp396del)

Gene: CASQ1 (calsequestrin 1; plus strand). Cytogenetic location: 1q23.2.
Variant type: Microsatellite.
Coding change: c.1176TGA[1] on transcript NM_001231.5 (MANE Select); one copy of the 3-base unit TGA starting at c.1176; the reference has four copies in a row; three copies, 9 bases deleted.
Protein change: p.Asp394_Asp396del.
Molecular consequence: inframe deletion.
Genome position (GRCh38, 1-based): chr1:160,201,364-160,201,372, TGATGATGA deleted; deleting any 9 consecutive bases within chr1:160,201,359-160,201,372 gives the same sequence; the position shown is the placement nearest the transcript's 3' end. VCF-style (leftmost placement, unchanged base first): chr1-160201358-CGATGATGAT-C. GRCh37 (hg19) VCF-style: chr1-160171148-CGATGATGAT-C.
Identifiers: ClinVar variation 2822024 (VCV002822024.3), dbSNP rs754288969, ClinGen allele CA2648655601.

ClinVar aggregate classification (germline): Uncertain significance (1 of 4 stars; one submission).

Submission:

Labcorp Genetics (formerly Invitae), Labcorp
Classification: Uncertain significance. Last evaluated: 2023-12-02. Review status: criteria provided, single submitter. Criteria: Invitae Variant Classification Sherloc (09022015). Collection method: clinical testing. Allele origin: germline.
Comment: This sequence change creates a premature translational stop signal (p.Asp394*) in the CASQ1 gene. While this is not anticipated to result in nonsense mediated decay, it is expected to disrupt the last 3 amino acid(s) of the CASQ1 protein. This variant is not present in population databases (gnomAD no frequency). This variant has not been reported in the literature in individuals affected with CASQ1-related conditions. Experimental studies and prediction algorithms are not available or were not evaluated, and the functional significance of this variant is currently unknown. In summary, the available evidence is currently insufficient to determine the role of this variant in disease. Therefore, it has been classified as a Variant of Uncertain Significance.